The following is an entry in ClinVar:

NM_001367624.2(ZNF469):c.3962C>T (p.Ala1321Val)

Gene: ZNF469 (zinc finger protein 469; plus strand). Cytogenetic location: 16q24.2.
Variant type: single nucleotide variant.
Coding change: c.3962C>T on transcript NM_001367624.2 (MANE Select); coding-DNA position 3962, C replaced by T.
Protein change: p.Ala1321Val; replaces alanine 1321 with valine.
Molecular consequence: missense variant.
Genome position (GRCh38, 1-based): chr16:88,431,432, C>T. VCF-style: chr16-88431432-C-T. GRCh37 (hg19) VCF-style: chr16-88497840-C-T.
Other names: NM_001127464.1:c.3878C>T; short protein forms A1321V.
Identifiers: ClinVar variation 4866961 (VCV004866961.1).

ClinVar aggregate classification (germline): Uncertain significance (1 of 4 stars; one submission).

Conditions:
Cardiovascular phenotype. Identifiers: MedGen CN230736.

gnomAD v4.1: 2 of 1,550,368 alleles (0.00013%); highest among the groups gnomAD compares: Admixed American, 0.0039%; no homozygotes.

Submission:

Ambry Genetics
Classification: Uncertain significance for Cardiovascular phenotype. Last evaluated: 2026-03-15. Review status: criteria provided, single submitter. Criteria: Ambry Variant Classification Scheme 2023. Collection method: clinical testing. Allele origin: germline.
Comment: The p.A1293V variant (also known as c.3878C>T), located in coding exon 2 of the ZNF469 gene, results from a C to T substitution at nucleotide position 3878. The alanine at codon 1293 is replaced by valine, an amino acid with similar properties. This amino acid position is conserved. In addition, this alteration is predicted to be tolerated by in silico analysis. Based on the available evidence, the clinical significance of this variant remains unclear.